The following is an entry in ClinVar:

ClinVar aggregate classification (germline): Uncertain significance (1 of 4 stars; one submission).

Allele frequency attached by ClinVar (database versions not stated): TOPMed below 0.00001; gnomAD 0.00001.
gnomAD v4.1: 1 of 1,591,716 alleles (0.000063%); highest among the groups gnomAD compares: African/African-American, 0.0014%; no homozygotes.

Submission:

Ambry Genetics
Classification: Uncertain significance. Last evaluated: 2024-10-18. Review status: criteria provided, single submitter. Criteria: Ambry Variant Classification Scheme 2023. Collection method: clinical testing. Allele origin: germline.
Comment: The p.I1973N variant (also known as c.5918T>A), located in coding exon 18 of the POLQ gene, results from a T to A substitution at nucleotide position 5918. The isoleucine at codon 1973 is replaced by asparagine, an amino acid with dissimilar properties. This amino acid position is conserved. In addition, this alteration is predicted to be tolerated by in silico analysis. Since supporting evidence is limited at this time, the clinical significance of this alteration remains unclear.

NM_199420.4(POLQ):c.5918T>A (p.Ile1973Asn)

Gene: POLQ (DNA polymerase theta; minus strand). Cytogenetic location: 3q13.33.
Variant type: single nucleotide variant.
Coding change: c.5918T>A on transcript NM_199420.4 (MANE Select); coding-DNA position 5918, T replaced by A.
Protein change: p.Ile1973Asn; replaces isoleucine 1973 with asparagine.
Molecular consequence: missense variant.
Genome position (GRCh38, 1-based): chr3:121,483,438, A>T on the plus strand (T>A on the coding strand, the complement: POLQ is on the minus strand). VCF-style: chr3-121483438-A-T. GRCh37 (hg19) VCF-style: chr3-121202285-A-T.
Other names: short protein forms I1973N.
Identifiers: ClinVar variation 1750475 (VCV001750475.3), dbSNP rs1266522570, ClinGen allele CA354088501.